The following is an entry in ClinVar:

NM_000051.4(ATM):c.6347+1G>C

Genes: ATM (ATM serine/threonine kinase; plus strand), C11orf65 (chromosome 11 open reading frame 65; minus strand). Cytogenetic location: 11q22.3.
Variant type: single nucleotide variant.
Coding change: c.6347+1G>C on transcript NM_000051.4 (MANE Select); the canonical splice donor site of the intron after coding-DNA position 6347, G replaced by C.
Molecular consequence: splice donor variant. On other transcripts: intron variant (2).
Genome position (GRCh38, 1-based): chr11:108,317,522, G>C. VCF-style: chr11-108317522-G-C. GRCh37 (hg19) VCF-style: chr11-108188249-G-C.
Other names: c.6347+1G>C (NM_001351834.2); c.641-8451C>G (NM_001330368.2); c.*39-8451C>G (NM_001351110.2).
Identifiers: ClinVar variation 3148582 (VCV003148582.1), dbSNP rs1057517120, ClinGen allele CA382552357.
Genomic context (GRCh38, chr11:108,317,522, plus strand): 5'-AGAACTTCATTACCAAGCAGCATGGAGGAATATGCAGTGGGACCATTGCACTTCCGTCAG[G>C]TAAGAAATTTGACTTGATTTTTTTTTTTTTGCCTCTCTCCTCATTCTAAACAACAACTGT-3'

ClinVar aggregate classification (germline): Likely pathogenic (1 of 4 stars; one submission).

Conditions:
Familial cancer of breast. Also called: hereditary breast carcinoma; BREAST CANCER, FAMILIAL; Hereditary breast cancer. Identifiers: Orphanet 227535, MedGen C0346153, MONDO:0016419, OMIM 114480. Disease mechanism: loss of function.

Submission:

Myriad Genetics, Inc.
Classification: Likely pathogenic for Familial cancer of breast. Last evaluated: 2024-01-29. Review status: criteria provided, single submitter. Criteria: Myriad Autosomal Dominant, Autosomal Recessive and X-Linked Classification Criteria (2023). Collection method: clinical testing. Allele origin: unknown.
Comment: This variant is considered likely pathogenic. This variant occurs within a consensus splice junction and is predicted to result in abnormal mRNA splicing of either an out-of-frame exon or an in-frame exon necessary for protein stability and/or normal function.